The following is an entry in ClinVar:

NM_000053.4(ATP7B):c.3634A>G (p.Met1212Val)

Gene: ATP7B (ATPase copper transporting beta; minus strand). Cytogenetic location: 13q14.3.
Variant type: single nucleotide variant.
Coding change: c.3634A>G on transcript NM_000053.4 (MANE Select); coding-DNA position 3634, A replaced by G.
Protein change: p.Met1212Val; replaces methionine 1212 with valine.
Molecular consequence: missense variant.
Genome position (GRCh38, 1-based): chr13:51,939,116, T>C on the plus strand (A>G on the coding strand, the complement: ATP7B is on the minus strand). VCF-style: chr13-51939116-T-C. GRCh37 (hg19) VCF-style: chr13-52513252-T-C.
Other names: c.3013A>G, p.Met1005Val (NM_001005918.3); c.3301A>G, p.Met1101Val (NM_001243182.2); c.3400A>G, p.Met1134Val (NM_001330578.2, NM_001406527.1, NM_001406528.1); c.3382A>G, p.Met1128Val (NM_001330579.2, NM_001406531.1, NM_001406532.1); c.3634A>G, p.Met1212Val (NM_001406511.1, NM_001406512.1, NM_001406526.1); c.3628A>G, p.Met1210Val (NM_001406513.1); c.3601A>G, p.Met1201Val (NM_001406514.1); c.3580A>G, p.Met1194Val (NM_001406515.1, NM_001406516.1); and 20 more; short protein forms M1005V, M1018V, M1048V, M1050V, M1063V, M1069V, M1086V, M1099V.
Identifiers: ClinVar variation 4756278 (VCV004756278.1).

ClinVar aggregate classification (germline): Uncertain significance (1 of 4 stars; one submission).

Conditions:
Wilson disease (WND). Also called: Wilson's disease. Identifiers: Orphanet 905, MedGen C0019202, MONDO:0010200, OMIM 277900. Disease mechanism: loss of function.

Submission:

Color Diagnostics, LLC DBA Color Health
Classification: Uncertain significance for Wilson disease. Last evaluated: 2025-08-12. Review status: criteria provided, single submitter. Criteria: ACMG Guidelines, 2015. Collection method: clinical testing. Allele origin: germline.
Comment: This missense variant replaces methionine with valine at codon 1212 of the ATP7B protein. Computational prediction suggests that this variant may have deleterious impact on protein structure and function. To our knowledge, functional studies have not been reported for this variant. This variant has been reported in an individual affected with Wilson disease (PMID: 39267050). This variant has not been identified in the general population by the Genome Aggregation Database (gnomAD). The available evidence is insufficient to determine the role of this variant in disease conclusively. Therefore, this variant is classified as a Variant of Uncertain Significance.

Literature cited by the submitters: PubMed 39267050.